The following is an entry in ClinVar:

ClinVar aggregate classification (germline): Likely benign. Review status: criteria provided, single submitter (1 of 4 stars). 2 submissions from 2 submitters: Likely benign (1). 1 of the submissions does not count toward it. Last evaluated 2024-11-05.

Conditions:
Charcot-Marie-Tooth disease axonal type 2L. Also called: CHARCOT-MARIE-TOOTH DISEASE, AXONAL, AUTOSOMAL DOMINANT, TYPE 2L; CHARCOT-MARIE-TOOTH NEUROPATHY, AXONAL, TYPE 2L; Charcot-Marie-Tooth Neuropathy Type 2L. Identifiers: Orphanet 99945, MedGen C1837552, MONDO:0012096, OMIM 608673.
HSPB8-related disorder. Also called: HSPB8-related condition.

Allele frequency attached by ClinVar (database versions not stated): gnomAD 0.00001; gnomAD exomes 0.00002 and below 0.00001; TOPMed below 0.00001.
gnomAD v4.1: 8 of 1,602,510 alleles (0.0005%); highest among the groups gnomAD compares: Admixed American, 0.01%; no homozygotes.

Submissions (2):

Labcorp Genetics (formerly Invitae), Labcorp
Classification: Likely benign for Charcot-Marie-Tooth disease axonal type 2L. Last evaluated: 2024-11-05. Review status: criteria provided, single submitter. Criteria: Invitae Variant Classification Sherloc (09022015). Collection method: clinical testing. Allele origin: germline.

PreventionGenetics, part of Exact Sciences
Classification: Likely benign for HSPB8-related condition. Last evaluated: 2020-01-06. Review status: no assertion criteria provided. Collection method: clinical testing. Allele origin: germline. Not counted in ClinVar's aggregate classification.
Comment: This variant is classified as likely benign based on ACMG/AMP sequence variant interpretation guidelines (Richards et al. 2015 PMID: 25741868, with internal and published modifications).

NM_014365.3(HSPB8):c.309C>T (p.His103=)

Gene: HSPB8 (heat shock protein family B (small) member 8; plus strand). Cytogenetic location: 12q24.23.
Variant type: single nucleotide variant.
Coding change: c.309C>T on transcript NM_014365.3 (MANE Select); coding-DNA position 309, C replaced by T.
Protein change: p.His103=; no amino-acid change (histidine 103 retained).
Molecular consequence: synonymous variant.
Genome position (GRCh38, 1-based): chr12:119,179,621, C>T. VCF-style: chr12-119179621-C-T. GRCh37 (hg19) VCF-style: chr12-119617426-C-T.
Identifiers: ClinVar variation 701838 (VCV000701838.10), dbSNP rs1401613594, ClinGen allele CA482056204.
Genomic context (GRCh38, chr12:119,179,621, plus strand): 5'-CGAGGGCAGGACCCCCCCACCCTTCCCTGGGGAGCCCTGGAAAGTGTGTGTGAATGTGCA[C>T]AGCTTCAAGCCAGAGGAGTTGATGGTGAAGACCAAAGATGGATACGTGGAGGTGTCTGGT-3'
Protein context (NP_055180.1, residues 93-113): GEPWKVCVNV[His103=]SFKPEELMVK